The following is an entry in ClinVar:

ClinVar aggregate classification (germline): Uncertain significance (1 of 4 stars; one submission).

Submission:

Labcorp Genetics (formerly Invitae), Labcorp
Classification: Uncertain significance. Last evaluated: 2025-06-12. Review status: criteria provided, single submitter. Criteria: Invitae Variant Classification Sherloc (09022015). Collection method: clinical testing. Allele origin: germline.
Comment: This sequence change replaces proline, which is neutral and non-polar, with alanine, which is neutral and non-polar, at codon 85 of the MYO1E protein (p.Pro85Ala). This variant is not present in population databases (gnomAD no frequency). This variant has not been reported in the literature in individuals affected with MYO1E-related conditions. ClinVar contains an entry for this variant (Variation ID: 2117057). Invitae Evidence Modeling of protein sequence and biophysical properties (such as structural, functional, and spatial information, amino acid conservation, physicochemical variation, residue mobility, and thermodynamic stability) indicates that this missense variant is not expected to disrupt MYO1E protein function with a negative predictive value of 80%. In summary, the available evidence is currently insufficient to determine the role of this variant in disease. Therefore, it has been classified as a Variant of Uncertain Significance.

NM_004998.4(MYO1E):c.253C>G (p.Pro85Ala)

Gene: MYO1E (myosin IE; minus strand). Cytogenetic location: 15q22.2.
Variant type: single nucleotide variant.
Coding change: c.253C>G on transcript NM_004998.4 (MANE Select); coding-DNA position 253, C replaced by G.
Protein change: p.Pro85Ala; replaces proline 85 with alanine.
Molecular consequence: missense variant.
Genome position (GRCh38, 1-based): chr15:59,256,363, G>C on the plus strand (C>G on the coding strand, the complement: MYO1E is on the minus strand). VCF-style: chr15-59256363-G-C. GRCh37 (hg19) VCF-style: chr15-59548562-G-C.
Other names: short protein forms P85A.
Identifiers: ClinVar variation 2117057 (VCV002117057.4), dbSNP rs2542153687, ClinGen allele CA392650115.